The following is an entry in ClinVar:

NM_000400.4(ERCC2):c.1377G>A (p.Gly459=)

Gene: ERCC2 (ERCC excision repair 2, TFIIH core complex helicase subunit; minus strand). Cytogenetic location: 19q13.32.
Variant type: single nucleotide variant.
Coding change: c.1377G>A on transcript NM_000400.4 (MANE Select); coding-DNA position 1377, G replaced by A.
Protein change: p.Gly459=; no amino-acid change (glycine 459 retained).
Molecular consequence: synonymous variant.
Genome position (GRCh38, 1-based): chr19:45,357,474, C>T on the plus strand (G>A on the coding strand, the complement: ERCC2 is on the minus strand). VCF-style: chr19-45357474-C-T. GRCh37 (hg19) VCF-style: chr19-45860732-C-T.
Identifiers: ClinVar variation 2415606 (VCV002415606.2), dbSNP rs2514013181, ClinGen allele CA507821630.

ClinVar aggregate classification (germline): Uncertain significance (1 of 4 stars; one submission).

gnomAD v4.1: 9 of 1,614,034 alleles (0.00056%); highest among the groups gnomAD compares: South Asian, 0.0044%; no homozygotes.

Submission:

Labcorp Genetics (formerly Invitae), Labcorp
Classification: Uncertain significance. Last evaluated: 2022-02-18. Review status: criteria provided, single submitter. Criteria: Invitae Variant Classification Sherloc (09022015). Collection method: clinical testing. Allele origin: germline.
Comment: This sequence change affects codon 459 of the ERCC2 mRNA. It is a 'silent' change, meaning that it does not change the encoded amino acid sequence of the ERCC2 protein. This variant also falls at the last nucleotide of exon 14, which is part of the consensus splice site for this exon. This variant is not present in population databases (gnomAD no frequency). This variant has not been reported in the literature in individuals affected with ERCC2-related conditions. Variants that disrupt the consensus splice site are a relatively common cause of aberrant splicing (PMID: 17576681, 9536098). Algorithms developed to predict the effect of sequence changes on RNA splicing suggest that this variant is not likely to affect RNA splicing. In summary, the available evidence is currently insufficient to determine the role of this variant in disease. Therefore, it has been classified as a Variant of Uncertain Significance.

Literature cited by the submitters: PubMed 17576681; PubMed 9536098.